The following is an entry in ClinVar:

ClinVar aggregate classification (germline): Uncertain significance (1 of 4 stars; one submission).

Allele frequency attached by ClinVar (database versions not stated): gnomAD exomes below 0.00001; ExAC 0.00001; gnomAD 0.00001; 1000 Genomes Project 30x 0.00016.
gnomAD v4.1: 2 of 1,613,946 alleles (0.00012%); highest among the groups gnomAD compares: Non-Finnish European, 0.000085%; no homozygotes.

Submission:

Labcorp Genetics (formerly Invitae), Labcorp
Classification: Uncertain significance. Last evaluated: 2024-04-14. Review status: criteria provided, single submitter. Criteria: Invitae Variant Classification Sherloc (09022015). Collection method: clinical testing. Allele origin: germline.
Comment: This sequence change replaces arginine, which is basic and polar, with histidine, which is basic and polar, at codon 115 of the PRPF3 protein (p.Arg115His). This variant is present in population databases (rs782508157, gnomAD 0.0009%). This variant has not been reported in the literature in individuals affected with PRPF3-related conditions. ClinVar contains an entry for this variant (Variation ID: 1954171). An algorithm developed to predict the effect of missense changes on protein structure and function (PolyPhen-2) suggests that this variant is likely to be tolerated. In summary, the available evidence is currently insufficient to determine the role of this variant in disease. Therefore, it has been classified as a Variant of Uncertain Significance.

NM_004698.4(PRPF3):c.344G>A (p.Arg115His)

Gene: PRPF3 (pre-mRNA processing factor 3; plus strand). Cytogenetic location: 1q21.2.
Variant type: single nucleotide variant.
Coding change: c.344G>A on transcript NM_004698.4 (MANE Select); coding-DNA position 344, G replaced by A.
Protein change: p.Arg115His; replaces arginine 115 with histidine.
Molecular consequence: missense variant. On other transcripts: 5 prime UTR variant (1), non-coding transcript variant (4).
Genome position (GRCh38, 1-based): chr1:150,328,387, G>A. VCF-style: chr1-150328387-G-A. GRCh37 (hg19) VCF-style: chr1-150300846-G-A.
Other names: c.-62G>A (NM_001350529.1); short protein forms R115H.
Identifiers: ClinVar variation 1954171 (VCV001954171.5), dbSNP rs782508157, ClinGen allele CA1075419.
Genomic context (GRCh38, chr1:150,328,387, plus strand): 5'-TTGGTGATGACTCTGAGATCTCTAAAGAATCATCAGGAGTAAAGAAGCGACGAATACCCC[G>A]TTTTGAGGAGGTGGAAGAAGAGCCAGAGGTGATCCCTGGGCCTCCATCAGAGAGCCCTGG-3'
Protein context (NP_004689.1, residues 105-125): SSGVKKRRIP[Arg115His]FEEVEEEPEV